The following is an entry in ClinVar:

ClinVar aggregate classification (germline): Conflicting classifications of pathogenicity. Review status: criteria provided, conflicting classifications (1 of 4 stars). 2 submissions from 2 submitters: Uncertain significance (1); Likely benign (1). Last evaluated 2026-05-14.

Conditions:
FHOD3-related disorder. Also called: FHOD3-related condition.
Inborn genetic diseases. Identifiers: MedGen C0950123, MeSH D030342.

gnomAD v4.1: 136 of 1,538,572 alleles (0.0088%); highest among the groups gnomAD compares: South Asian, 0.0084%; no homozygotes.

Submissions (2):

PreventionGenetics, part of Exact Sciences
Classification: Likely benign for FHOD3-related condition. Last evaluated: 2026-05-14. Review status: criteria provided, single submitter. Criteria: ACMG Guidelines, 2015. Collection method: clinical testing. Allele origin: germline.
Comment: This variant is classified as likely benign based on ACMG/AMP sequence variant interpretation guidelines (Richards et al. 2015 PMID: 25741868, with internal and published modifications).

Ambry Genetics
Classification: Uncertain significance for Inborn genetic diseases. Last evaluated: 2023-07-12. Review status: criteria provided, single submitter. Criteria: Ambry Variant Classification Scheme 2023. Collection method: clinical testing. Allele origin: germline.

NM_001281740.3(FHOD3):c.1021C>G (p.Arg341Gly)

Gene: FHOD3 (formin homology 2 domain containing 3; plus strand). Cytogenetic location: 18q12.2.
Variant type: single nucleotide variant.
Coding change: c.1021C>G on transcript NM_001281740.3 (MANE Select); coding-DNA position 1021, C replaced by G.
Protein change: p.Arg341Gly; replaces arginine 341 with glycine.
Molecular consequence: missense variant.
Genome position (GRCh38, 1-based): chr18:36,625,574, C>G. VCF-style: chr18-36625574-C-G. GRCh37 (hg19) VCF-style: chr18-34205537-C-G.
Other names: c.1021C>G, p.Arg341Gly (NM_001281739.3, NM_025135.5); c.1021C>G (NM_001281740.2); short protein forms R341G.
Identifiers: ClinVar variation 2591106 (VCV002591106.3), dbSNP rs574004851, ClinGen allele CA8941518.